The following is an entry in ClinVar:

ClinVar aggregate classification (germline): Pathogenic/Likely pathogenic. Review status: criteria provided, multiple submitters, no conflicts (2 of 4 stars). 5 submissions from 5 submitters: Pathogenic (2); Likely pathogenic (2). 1 of the submissions does not count toward it. Last evaluated 2025-08-26.

Conditions:
Thrombophilia due to protein C deficiency, autosomal dominant. Also called: PROC DEFICIENCY, AUTOSOMAL DOMINANT; PROTEIN C DEFICIENCY, AUTOSOMAL DOMINANT. Identifiers: Orphanet 745, MedGen C2674321, MONDO:0008316, OMIM 176860. Disease mechanism: loss of function.
Thrombophilia due to protein C deficiency, autosomal recessive. Also called: PROC DEFICIENCY, AUTOSOMAL RECESSIVE; PROTEIN C DEFICIENCY, AUTOSOMAL RECESSIVE. Identifiers: Orphanet 745, MedGen C2676759, MONDO:0012860, OMIM 612304.

Allele frequency attached by ClinVar (database versions not stated): TOPMed 0.00001; gnomAD 0.00001 and 0.00002; ExAC 0.00001; gnomAD exomes 0.00002.

Submissions (5):

GeneDx
Classification: Likely pathogenic. Last evaluated: 2025-08-26. Review status: criteria provided, single submitter. Criteria: GeneDx Variant Classification Process June 2021. Collection method: clinical testing. Allele origin: germline.
Comment: Identified in the heterozygous state in patients with deep vein thrombosis or symptomatic protein C deficiency in published literature (PMID: 18954896, 31254973); Published functional studies demonstrate a severe reduction in the rate of protein C activation by thrombin-thrombomodulin (PMID: 27172833); In silico analysis supports that this missense variant has a deleterious effect on protein structure/function; Reported as p.(R229W) using alternate nomenclature in some cases; This variant is associated with the following publications: (PMID: 18954896, 28111891, 7482420, 31254973, 30487363, 27172833, 37647632, 38075960, 40339963, 37711900, 38155150, 26372516)

Labcorp Genetics (formerly Invitae), Labcorp
Classification: Pathogenic for Thrombophilia due to protein C deficiency, autosomal dominant. Last evaluated: 2025-01-29. Review status: criteria provided, single submitter. Criteria: Invitae Variant Classification Sherloc (09022015). Collection method: clinical testing. Allele origin: germline.
Comment: This sequence change replaces arginine, which is basic and polar, with tryptophan, which is neutral and slightly polar, at codon 271 of the PROC protein (p.Arg271Trp). This variant is present in population databases (rs767112991, gnomAD 0.003%). This missense change has been observed in individuals with protein C deficiency (PMID: 7482420, 18954896, 28111891; internal data). It has also been observed to segregate with disease in related individuals. ClinVar contains an entry for this variant (Variation ID: 536970). Invitae Evidence Modeling of protein sequence and biophysical properties (such as structural, functional, and spatial information, amino acid conservation, physicochemical variation, residue mobility, and thermodynamic stability) indicates that this missense variant is expected to disrupt PROC protein function with a positive predictive value of 80%. Experimental studies have shown that this missense change affects PROC function (PMID: 27172833). For these reasons, this variant has been classified as Pathogenic.

Genomic Medicine Center of Excellence, King Faisal Specialist Hospital and Research Centre
Classification: Likely pathogenic for Thrombophilia due to protein C deficiency, autosomal dominant. Last evaluated: 2024-03-17. Review status: criteria provided, single submitter. Criteria: ACMG Guidelines, 2015. Collection method: research. Allele origin: germline.

Fulgent Genetics
Classification: Pathogenic for Thrombophilia due to protein C deficiency, autosomal dominant; Thrombophilia due to protein C deficiency, autosomal recessive. Last evaluated: 2021-10-20. Review status: criteria provided, single submitter. Criteria: ACMG Guidelines, 2015. Collection method: clinical testing. Allele origin: unknown.

ISTH-SSC Genomics in Thrombosis and Hemostasis, KU Leuven, Center for Molecular and Vascular Biology
Classification: Uncertain significance for Thrombophilia due to protein C deficiency, autosomal dominant. Review status: flagged submission. Criteria: ACMG Guidelines, 2015. Collection method: clinical testing. Allele origin: germline. Affected: yes. Observed: 1 heterozygote. Not counted in ClinVar's aggregate classification.
Comment: Submitted to GoldVariant by Kathleen Freson, Center for Molecular and Vascular Biology, Leuven, Belgium
ClinVar note: Reason: Outlier claim with insufficient supporting evidence

Literature cited by the submitters: PubMed 7482420 (cited by Labcorp Genetics (formerly Invitae), Labcorp); PubMed 18954896 (cited by Labcorp Genetics (formerly Invitae), Labcorp); PubMed 28111891 (cited by Labcorp Genetics (formerly Invitae), Labcorp); PubMed 27172833 (cited by Labcorp Genetics (formerly Invitae), Labcorp).

NM_000312.4(PROC):c.811C>T (p.Arg271Trp)

Gene: PROC (protein C, inactivator of coagulation factors Va and VIIIa; plus strand). Cytogenetic location: 2q14.3.
Variant type: single nucleotide variant.
Coding change: c.811C>T on transcript NM_000312.4 (MANE Select); coding-DNA position 811, C replaced by T.
Protein change: p.Arg271Trp; replaces arginine 271 with tryptophan.
Molecular consequence: missense variant.
Genome position (GRCh38, 1-based): chr2:127,428,371, C>T. VCF-style: chr2-127428371-C-T. GRCh37 (hg19) VCF-style: chr2-128185947-C-T.
Other names: c.994C>T, p.Arg332Trp (NM_001375602.1); c.976C>T, p.Arg326Trp (NM_001375603.1); c.874C>T, p.Arg292Trp (NM_001375604.1); c.913C>T, p.Arg305Trp (NM_001375605.1); c.979C>T, p.Arg327Trp (NM_001375606.1); c.997C>T, p.Arg333Trp (NM_001375607.1); c.754C>T, p.Arg252Trp (NM_001375608.1); c.787C>T, p.Arg263Trp (NM_001375609.1); and 2 more; short protein forms R271W, R252W, R263W, R269W, R292W, R305W, R326W, R327W.
Identifiers: ClinVar variation 536970 (VCV000536970.13), dbSNP rs767112991, ClinGen allele CA1859464.